The following is an entry in ClinVar:

ClinVar aggregate classification (germline): Uncertain significance (1 of 4 stars; one submission).

Conditions:
Occult macular dystrophy (OCMD). Also called: OMD; OCCULT MACULAR DYSTROPHY, SUSCEPTIBILITY TO. Identifiers: Orphanet 247834, MedGen C3150833, MONDO:0013316, OMIM 613587, HP:0030636.
Retinitis pigmentosa 88. Identifiers: MedGen C5394208, MONDO:0032940, OMIM 618826.

Submission:

Juno Genomics, Hangzhou Juno Genomics, Inc
Classification: Uncertain significance for Occult macular dystrophy; Retinitis pigmentosa 88. Review status: criteria provided, single submitter. Criteria: ACMG Guidelines, 2015. Collection method: clinical testing. Allele origin: germline. Affected: yes.
Comment: Absent from controls (or at extremely low frequency if recessive) in Genome Aggregation Database, Exome Sequencing Project, 1000 Genomes Project, or Exome Aggregation Consortium.;Protein length changes due to in-frame deletions/insertions in a non-repeat region or stop-loss variants.

NM_178857.6(RP1L1):c.1314_1316dup (p.Gly439_His440insGly)

Gene: RP1L1 (RP1 like 1). Cytogenetic location: 8p23.1.
Variant type: Duplication.
Coding change: c.1314_1316dup on transcript NM_178857.6 (MANE Select); coding-DNA positions 1314 to 1316, 3 bases duplicated.
Protein change: p.Gly439_His440insGly.
Genome position: GRCh38 VCF-style: chr8-10612781-G-GCCC. GRCh37 (hg19) VCF-style: chr8-10470291-G-GCCC.
Identifiers: ClinVar variation 3392511 (VCV003392511.2).